The following is an entry in ClinVar:

NM_006565.4(CTCF):c.538_540dup (p.Gln180_Gly181insGln)

Gene: CTCF (CCCTC-binding factor; plus strand). Cytogenetic location: 16q22.1.
Variant type: Duplication.
Coding change: c.538_540dup on transcript NM_006565.4 (MANE Select); coding-DNA positions 538 to 540, 3 bases duplicated (CAA; older notation c.538_540dupCAA).
Protein change: p.Gln180_Gly181insGln.
Molecular consequence: inframe insertion. On other transcripts: inframe indel (1), intron variant (1).
Genome position (GRCh38, 1-based): chr16:67,611,370-67,611,372, CAA duplicated; duplicating any 3 consecutive bases within chr16:67,611,368-67,611,372 gives the same sequence; the c. name uses the placement nearest the transcript's 3' end. VCF-style (leftmost placement, unchanged base first): chr16-67611367-G-GAAC. GRCh37 (hg19) VCF-style: chr16-67645270-G-GAAC.
Other names: c.538_540dup, p.Gln180_Gly181insGln (NM_001363916.2); c.-32-5375_-32-5373dup (NM_001191022.2).
Identifiers: ClinVar variation 1031652 (VCV001031652.1), dbSNP rs2052059839, ClinGen allele CA2229417213.

ClinVar aggregate classification (germline): Uncertain significance (1 of 4 stars; one submission).

Conditions:
CTCF-related neurodevelopmental disorder. Also called: Intellectual disability-feeding difficulties-developmental delay-microcephaly syndrome; INTELLECTUAL DEVELOPMENTAL DISORDER, AUTOSOMAL DOMINANT 21. Identifiers: Orphanet 363611, MedGen C3809686, MONDO:0014213, OMIM 615502.

Submission:

Baylor Genetics
Classification: Uncertain significance for CTCF-related neurodevelopmental disorder. Last evaluated: 2018-12-11. Review status: criteria provided, single submitter. Criteria: ACMG Guidelines, 2015. Collection method: clinical testing. Allele origin: unknown. Affected: yes.
Comment: This variant was determined to be of uncertain significance according to ACMG Guidelines, 2015 [PMID:25741868].